The following is an entry in ClinVar:

ClinVar aggregate classification (germline): Uncertain significance (1 of 4 stars; one submission).

Conditions:
Cardiovascular phenotype. Identifiers: MedGen CN230736.

Submission:

Ambry Genetics
Classification: Uncertain significance for Cardiovascular phenotype. Last evaluated: 2025-03-25. Review status: criteria provided, single submitter. Criteria: Ambry Variant Classification Scheme 2023. Collection method: clinical testing. Allele origin: germline.
Comment: The p.G364D variant (also known as c.1091G>A), located in coding exon 7 of the BGN gene, results from a G to A substitution at nucleotide position 1091. The glycine at codon 364 is replaced by aspartic acid, an amino acid with similar properties. This amino acid position is conserved. In addition, this alteration is predicted to be deleterious by in silico analysis. Based on the available evidence, the clinical significance of this variant remains unclear.

NM_001711.6(BGN):c.1091G>A (p.Gly364Asp)

Gene: BGN (biglycan; plus strand). Cytogenetic location: Xq28.
Variant type: single nucleotide variant.
Coding change: c.1091G>A on transcript NM_001711.6 (MANE Select); coding-DNA position 1091, G replaced by A.
Protein change: p.Gly364Asp; replaces glycine 364 with aspartic acid.
Molecular consequence: missense variant.
Genome position (GRCh38, 1-based): chrX:153,508,429, G>A. VCF-style: chrX-153508429-G-A. GRCh37 (hg19) VCF-style: chrX-152773887-G-A.
Other names: short protein forms G364D.
Identifiers: ClinVar variation 3991368 (VCV003991368.1).